The following is an entry in ClinVar:

NM_000377.3(WAS):c.22G>A (p.Gly8Arg)

Gene: WAS (WASP actin nucleation promoting factor; plus strand). Cytogenetic location: Xp11.23.
Variant type: single nucleotide variant.
Coding change: c.22G>A on transcript NM_000377.3 (MANE Select); coding-DNA position 22, G replaced by A.
Protein change: p.Gly8Arg; replaces glycine 8 with arginine.
Molecular consequence: missense variant.
Genome position (GRCh38, 1-based): chrX:48,683,875, G>A. VCF-style: chrX-48683875-G-A. GRCh37 (hg19) VCF-style: chrX-48542264-G-A.
Other names: c.22G>A, p.Gly8Arg (NM_001438876.1, NM_001438877.1, NM_001438878.1 and 1 more transcripts); short protein forms G8R.
Identifiers: ClinVar variation 4782437 (VCV004782437.1).

ClinVar aggregate classification (germline): Uncertain significance (1 of 4 stars; one submission).

Conditions:
Thrombocytopenia 1. Also called: X-linked thrombocytopenia with normal platelets; X-Linked Thrombocytopenia (XLT); THROMBOCYTOPENIA, X-LINKED, 1. Identifiers: Orphanet 268322, Orphanet 852, MedGen C1839163, MONDO:0010743, OMIM 313900.
Wiskott-Aldrich syndrome (WAS). Also called: ALDRICH SYNDROME; IMMUNODEFICIENCY 2; WISKOTT-ALDRICH SYNDROME 1; Wiskott-aldrich syndrome, somatic. Identifiers: Orphanet 906, MedGen C0043194, MONDO:0010518, OMIM 301000.
X-linked severe congenital neutropenia (SCNX). Identifiers: Orphanet 86788, MedGen C1845987, MONDO:0010294, OMIM 300299.

Submission:

Labcorp Genetics (formerly Invitae), Labcorp
Classification: Uncertain significance for Wiskott-Aldrich syndrome; X-linked severe congenital neutropenia; Thrombocytopenia 1. Last evaluated: 2025-06-24. Review status: criteria provided, single submitter. Criteria: Invitae Variant Classification Sherloc (09022015). Collection method: clinical testing. Allele origin: germline.
Comment: This sequence change replaces glycine, which is neutral and non-polar, with arginine, which is basic and polar, at codon 8 of the WAS protein (p.Gly8Arg). This variant is not present in population databases (gnomAD no frequency). This variant has not been reported in the literature in individuals affected with WAS-related conditions. Invitae Evidence Modeling of protein sequence and biophysical properties (such as structural, functional, and spatial information, amino acid conservation, physicochemical variation, residue mobility, and thermodynamic stability) indicates that this missense variant is not expected to disrupt WAS protein function with a negative predictive value of 80%. In summary, the available evidence is currently insufficient to determine the role of this variant in disease. Therefore, it has been classified as a Variant of Uncertain Significance.